The following is an entry in ClinVar:

NM_018685.5(ANLN):c.2659A>G (p.Lys887Glu)

Gene: ANLN (anillin, actin binding protein; plus strand). Cytogenetic location: 7p14.2.
Variant type: single nucleotide variant.
Coding change: c.2659A>G on transcript NM_018685.5 (MANE Select); coding-DNA position 2659, A replaced by G.
Protein change: p.Lys887Glu; replaces lysine 887 with glutamic acid.
Molecular consequence: missense variant.
Genome position (GRCh38, 1-based): chr7:36,424,692, A>G. VCF-style: chr7-36424692-A-G. GRCh37 (hg19) VCF-style: chr7-36464301-A-G.
Other names: c.2548A>G, p.Lys850Glu (NM_001284301.3); c.2545A>G, p.Lys849Glu (NM_001284302.3); short protein forms K849E, K850E, K887E.
Identifiers: ClinVar variation 1901155 (VCV001901155.5), dbSNP rs1372240187, ClinGen allele CA367214410.
Genomic context (GRCh38, chr7:36,424,692, plus strand): 5'-TTTTTCTTAACAATATCAGATTATAAATTAATTATGCTTTGGGTTTGTGCGTAGGTGCAA[A>G]AGAAAGATCCCTCAGGCCTTGATAAGAAGAAAAAAACATCCAAGTCCAAGGTGAGAATTA-3'
Protein context (NP_061155.2, residues 877-897): INIEVYSLVQ[Lys887Glu]KDPSGLDKKK

ClinVar aggregate classification (germline): Uncertain significance (1 of 4 stars; one submission).

Allele frequency attached by ClinVar (database versions not stated): gnomAD 0.00001; gnomAD exomes 0.00001; TOPMed 0.00001.
gnomAD v4.1: 10 of 1,612,368 alleles (0.00062%); highest among the groups gnomAD compares: Non-Finnish European, 0.00085%; no homozygotes.

Submission:

Labcorp Genetics (formerly Invitae), Labcorp
Classification: Uncertain significance. Last evaluated: 2021-12-27. Review status: criteria provided, single submitter. Criteria: Invitae Variant Classification Sherloc (09022015). Collection method: clinical testing. Allele origin: germline.
Comment: This variant is present in population databases (no rsID available, gnomAD 0.0009%). This sequence change replaces lysine, which is basic and polar, with glutamic acid, which is acidic and polar, at codon 887 of the ANLN protein (p.Lys887Glu). In summary, the available evidence is currently insufficient to determine the role of this variant in disease. Therefore, it has been classified as a Variant of Uncertain Significance. Algorithms developed to predict the effect of missense changes on protein structure and function (SIFT, PolyPhen-2, Align-GVGD) all suggest that this variant is likely to be tolerated. This variant has not been reported in the literature in individuals affected with ANLN-related conditions.